The following is an entry in ClinVar:

NM_001128148.3(TFRC):c.2043G>A (p.Val681=)

Gene: TFRC (transferrin receptor; minus strand). Cytogenetic location: 3q29.
Variant type: single nucleotide variant.
Coding change: c.2043G>A on transcript NM_001128148.3 (MANE Select); coding-DNA position 2043, G replaced by A.
Protein change: p.Val681=; no amino-acid change (valine 681 retained).
Molecular consequence: synonymous variant.
Genome position (GRCh38, 1-based): chr3:196,052,182, C>T on the plus strand (G>A on the coding strand, the complement: TFRC is on the minus strand). VCF-style: chr3-196052182-C-T. GRCh37 (hg19) VCF-style: chr3-195779053-C-T.
Other names: c.1800G>A, p.Val600= (NM_001313965.2); c.1197G>A, p.Val399= (NM_001313966.2); c.2043G>A, p.Val681= (NM_003234.4).
Identifiers: ClinVar variation 1347978 (VCV001347978.8), dbSNP rs1560063705, ClinGen allele CA438043635.
Genomic context (GRCh38, chr3:196,052,182, plus strand): 5'-GAAGACATGTCGGAAAGGAGACTCTTTTGGAGATACGTAGGGAGAGAGGAAGTGATACTC[C>T]ACCTACGAAAACAACACACAAGGCAATTTACACAGCCCTGTGACTTTTGTAGTAAAACAA-3'
Protein context (NP_001121620.1, residues 671-691): MKKLNDRVMR[Val681=]EYHFLSPYVS

ClinVar aggregate classification (germline): Uncertain significance (1 of 4 stars; one submission).

Allele frequency attached by ClinVar (database versions not stated): gnomAD exomes below 0.00001.
gnomAD v4.1: 2 of 1,613,250 alleles (0.00012%); highest among the groups gnomAD compares: Non-Finnish European, 0.00017%; no homozygotes.

Submission:

Labcorp Genetics (formerly Invitae), Labcorp
Classification: Uncertain significance. Last evaluated: 2023-11-03. Review status: criteria provided, single submitter. Criteria: Invitae Variant Classification Sherloc (09022015). Collection method: clinical testing. Allele origin: germline.
Comment: This sequence change affects codon 681 of the TFRC mRNA. It is a 'silent' change, meaning that it does not change the encoded amino acid sequence of the TFRC protein. This variant is not present in population databases (gnomAD no frequency). This variant has not been reported in the literature in individuals affected with TFRC-related conditions. ClinVar contains an entry for this variant (Variation ID: 1347978). Algorithms developed to predict the effect of sequence changes on RNA splicing suggest that this variant may disrupt the consensus splice site. In summary, the available evidence is currently insufficient to determine the role of this variant in disease. Therefore, it has been classified as a Variant of Uncertain Significance.